The following is an entry in ClinVar:

ClinVar aggregate classification (germline): Conflicting classifications of pathogenicity. Review status: criteria provided, conflicting classifications (1 of 4 stars). 7 submissions from 7 submitters: Uncertain significance (1); Likely benign (3). 3 of the submissions do not count toward it. Last evaluated 2026-01-19.

Conditions:
FERMT3-related disorder. Also called: FERMT3-related condition.
Leukocyte adhesion deficiency 3. Also called: Leukocyte adhesion deficiency, type III; INTEGRIN ACTIVATION DEFICIENCY DISEASE; LEUKOCYTE ADHESION DEFICIENCY 1 VARIANT. Identifiers: Orphanet 2968, Orphanet 99844, MedGen C2748536, MONDO:0013016, OMIM 612840.

Allele frequency attached by ClinVar (database versions not stated): 1000 Genomes Project 30x 0.00016; 1000 Genomes Project 0.00020; gnomAD exomes 0.00076 and 0.00107; TOPMed 0.00077; gnomAD 0.00083 and 0.00088; ESP Exome Variant Server 0.00169.
gnomAD v4.1: 1,680 of 1,613,632 alleles (0.1%); highest among the groups gnomAD compares: Non-Finnish European, 0.13%; 1 homozygote.

Submissions (7):

Labcorp Genetics (formerly Invitae), Labcorp
Classification: Likely benign for Leukocyte adhesion deficiency 3. Last evaluated: 2026-01-19. Review status: criteria provided, single submitter. Criteria: Invitae Variant Classification Sherloc (09022015). Collection method: clinical testing. Allele origin: germline.

Mayo Clinic Laboratories, Mayo Clinic
Classification: Likely benign. Last evaluated: 2025-10-17. Review status: criteria provided, single submitter. Criteria: ACMG Guidelines, 2015. Collection method: clinical testing. Allele origin: germline. Observed: 1 variant allele.
Comment: BP4, BP7

Blueprint Genetics
Classification: Likely benign. Last evaluated: 2024-11-06. Review status: criteria provided, single submitter. Criteria: ACMG Guidelines, 2015. Collection method: clinical testing. Allele origin: germline.

Eurofins Ntd Llc (ga)
Classification: Uncertain significance. Last evaluated: 2015-05-19. Review status: criteria provided, single submitter. Criteria: EGL Classification Definitions 2015. Collection method: clinical testing. Allele origin: germline. Observed: 1 variant allele, 1 heterozygote.

PreventionGenetics, part of Exact Sciences
Classification: Likely benign for FERMT3-related condition. Last evaluated: 2021-09-30. Review status: no assertion criteria provided. Collection method: clinical testing. Allele origin: germline. Not counted in ClinVar's aggregate classification.
Comment: This variant is classified as likely benign based on ACMG/AMP sequence variant interpretation guidelines (Richards et al. 2015 PMID: 25741868, with internal and published modifications).

Clinical Genetics DNA and cytogenetics Diagnostics Lab, Erasmus MC, Erasmus Medical Center
Classification: Likely benign. Review status: no assertion criteria provided. Collection method: clinical testing. Allele origin: germline. Affected: yes. Study: VKGL Data-share Consensus. Not counted in ClinVar's aggregate classification.

Genome Diagnostics Laboratory, University Medical Center Utrecht
Classification: Likely benign. Review status: no assertion criteria provided. Collection method: clinical testing. Allele origin: germline. Affected: yes. Study: VKGL Data-share Consensus. Not counted in ClinVar's aggregate classification.

NM_031471.6(FERMT3):c.1188G>A (p.Gln396=)

Gene: FERMT3 (FERM domain containing kindlin 3; plus strand). Cytogenetic location: 11q13.1.
Variant type: single nucleotide variant.
Coding change: c.1188G>A on transcript NM_031471.6 (MANE Select); coding-DNA position 1188, G replaced by A.
Protein change: p.Gln396=; no amino-acid change (glutamine 396 retained).
Molecular consequence: synonymous variant.
Genome position (GRCh38, 1-based): chr11:64,219,999, G>A. VCF-style: chr11-64219999-G-A. GRCh37 (hg19) VCF-style: chr11-63987471-G-A.
Other names: p.Gln396=; c.1188G>A, p.Gln396= (NM_001382361.1, NM_001382448.1); c.1200G>A, p.Gln400= (NM_001382362.1, NM_178443.3); c.648G>A, p.Gln216= (NM_001382363.1); c.660G>A, p.Gln220= (NM_001382364.1).
Identifiers: ClinVar variation 193746 (VCV000193746.21), dbSNP rs148021416, ClinGen allele CA239371.